The following is an entry in ClinVar:

NM_007373.4(SHOC2):c.16G>A (p.Gly6Arg)

Gene: SHOC2 (SHOC2 leucine rich repeat scaffold protein; plus strand). Cytogenetic location: 10q25.2.
Variant type: single nucleotide variant.
Coding change: c.16G>A on transcript NM_007373.4 (MANE Select); coding-DNA position 16, G replaced by A.
Protein change: p.Gly6Arg; replaces glycine 6 with arginine.
Molecular consequence: missense variant.
Genome position (GRCh38, 1-based): chr10:110,964,374, G>A. VCF-style: chr10-110964374-G-A. GRCh37 (hg19) VCF-style: chr10-112724132-G-A.
Other names: c.16G>A, p.Gly6Arg (NM_001269039.3, NM_001324336.2, NM_001324337.2); short protein forms G6R.
Identifiers: ClinVar variation 3061176 (VCV003061176.2), dbSNP rs2493837783, ClinGen allele CA378380211.

ClinVar aggregate classification (germline): Uncertain significance (0 of 4 stars; one submission).

Conditions:
SHOC2-related disorder. Also called: SHOC2-related condition.

Submission:

PreventionGenetics, part of Exact Sciences
Classification: Uncertain significance for SHOC2-related condition. Last evaluated: 2024-02-29. Review status: no assertion criteria provided. Collection method: clinical testing. Allele origin: germline.
Comment: The SHOC2 c.16G>A variant is predicted to result in the amino acid substitution p.Gly6Arg. To our knowledge, this variant has not been reported in the literature or in a large population database, indicating this variant is rare. The p.Gly6 residue is highly conserved during evolution. Of note, a nearby missense variant, defined as c.4A>G (p.Ser2Gly), has been repeatedly reported to be pathogenic for Noonan-like syndrome with loose anagen hair (see for example, Cordeddu et al. 2009. PubMed ID: 19684605; Chen et al. 2019. PubMed ID: 30732632; see more at Human Gene Mutation Database). At this time, the clinical significance of the c.16G>A (p.Gly6Arg) variant is uncertain due to the absence of conclusive functional and genetic evidence.